The following is an entry in ClinVar:

NM_015346.4(ZFYVE26):c.4951C>T (p.Gln1651Ter)

Gene: ZFYVE26 (zinc finger FYVE-type containing 26; minus strand). Cytogenetic location: 14q24.1.
Variant type: single nucleotide variant.
Coding change: c.4951C>T on transcript NM_015346.4 (MANE Select); coding-DNA position 4951, C replaced by T.
Protein change: p.Gln1651Ter; replaces glutamine 1651 with a stop codon.
Molecular consequence: nonsense.
Genome position (GRCh38, 1-based): chr14:67,777,582, G>A on the plus strand (C>T on the coding strand, the complement: ZFYVE26 is on the minus strand). VCF-style: chr14-67777582-G-A. GRCh37 (hg19) VCF-style: chr14-68244299-G-A.
Other names: short protein forms Q1651*.
Identifiers: ClinVar variation 2697320 (VCV002697320.3), dbSNP rs2502788990, ClinGen allele CA390168647.
Genomic context (GRCh38, chr14:67,777,582, plus strand): 5'-CCACATACAGCGCCTGGATTTCACGGTGTATCCTTACCTTGGATCCCACATACAGCGCCT[G>A]GATTTCACGGTGTCGGACAGCAGTCAGTTGTCCATAGAAGTGGGTGGTGAGGTAGTTGGC-3'

ClinVar aggregate classification (germline): Pathogenic (1 of 4 stars; one submission).

Conditions:
Spastic paraplegia. Identifiers: MedGen C0037772, HP:0001258.

Submission:

Labcorp Genetics (formerly Invitae), Labcorp
Classification: Pathogenic for Spastic paraplegia. Last evaluated: 2023-06-07. Review status: criteria provided, single submitter. Criteria: Invitae Variant Classification Sherloc (09022015). Collection method: clinical testing. Allele origin: germline.
Comment: For these reasons, this variant has been classified as Pathogenic. This variant has not been reported in the literature in individuals affected with ZFYVE26-related conditions. This variant is not present in population databases (gnomAD no frequency). This sequence change creates a premature translational stop signal (p.Gln1651*) in the ZFYVE26 gene. It is expected to result in an absent or disrupted protein product. Loss-of-function variants in ZFYVE26 are known to be pathogenic (PMID: 18394578, 19805727).

Literature cited by the submitters: PubMed 18394578; PubMed 19805727.